The following is an entry in ClinVar:

NM_001378183.1(PIEZO2):c.7081C>T (p.Arg2361Ter)

Gene: PIEZO2 (piezo type mechanosensitive ion channel component 2; minus strand). Cytogenetic location: 18p11.22.
Variant type: single nucleotide variant.
Coding change: c.7081C>T on transcript NM_001378183.1 (MANE Select); coding-DNA position 7081, C replaced by T.
Protein change: p.Arg2361Ter; replaces arginine 2361 with a stop codon.
Molecular consequence: nonsense.
Genome position (GRCh38, 1-based): chr18:10,696,183, G>A on the plus strand (C>T on the coding strand, the complement: PIEZO2 is on the minus strand). VCF-style: chr18-10696183-G-A. GRCh37 (hg19) VCF-style: chr18-10696181-G-A.
Other names: c.6742C>T, p.Arg2248Ter (NM_022068.4); short protein forms R2248*, R2361*.
Identifiers: ClinVar variation 488941 (VCV000488941.2), dbSNP rs781461197, ClinGen allele CA401917794.
Genomic context (GRCh38, chr18:10,696,183, plus strand): 5'-ACACAAGAATGACCTGGAAGATGACCTTTCCCAGTACAGTCTTCCTGAGGTAGAGGGCTC[G>A]GTCCACCACCATGGTTCCAAACTGAATGAGGACCATCACCAAAAACGGCCCCGGGACCTG-3'

ClinVar aggregate classification (germline): Uncertain significance (1 of 4 stars; one submission).

Allele frequency attached by ClinVar (database versions not stated): gnomAD 0.00001 and 0.00003; TOPMed 0.00001.
gnomAD v4.1: 7 of 1,613,858 alleles (0.00043%); highest among the groups gnomAD compares: South Asian, 0.0011%; no homozygotes.

Submission:

GeneDx
Classification: Uncertain significance. Last evaluated: 2018-01-25. Review status: criteria provided, single submitter. Criteria: GeneDx Variant Classification (06012015). Collection method: clinical testing. Allele origin: germline. Affected: yes.
Comment: The R2248X variant in the PIEZO2 gene has not been reported previously as a pathogenic variant nor as a benign variant, to our knowledge. This variant is predicted to cause loss of normal protein function either through protein truncation or nonsense-mediated mRNA decay. The R2248X variant was not observed in approximately 6500 individuals ofEuropean and African American ancestry in the NHLBI Exome Sequencing Project, indicating it is not a commonbenign variant in these populations. We interpret R2248XX as a variant of uncertain significance.